The following is an entry in ClinVar:

ClinVar aggregate classification (germline): Uncertain significance (1 of 4 stars; one submission).

Conditions:
Neuronopathy, distal hereditary motor, type 7A. Also called: SPINAL MUSCULAR ATROPHY, DISTAL, WITH VOCAL CORD PARALYSIS; Neuronopathy, distal hereditary motor, type viia; HARPER-YOUNG MYOPATHY; HMN VIIA; NEURONOPATHY, DISTAL HEREDITARY MOTOR, HARDING TYPE VIIA; NEUROPATHY, DISTAL HEREDITARY MOTOR, HARDING TYPE VIIA. Identifiers: Orphanet 139589, MedGen C1834703, MONDO:0008024, OMIM 158580.
Congenital myasthenic syndrome 20. Also called: Myasthenic syndrome, congenital, 20, presynaptic. Identifiers: MedGen C4310694, MONDO:0014939, OMIM 617143.

Submission:

Labcorp Genetics (formerly Invitae), Labcorp
Classification: Uncertain significance for Neuronopathy, distal hereditary motor, type 7A; Congenital myasthenic syndrome 20. Last evaluated: 2022-07-18. Review status: criteria provided, single submitter. Criteria: Invitae Variant Classification Sherloc (09022015). Collection method: clinical testing. Allele origin: germline.
Comment: This variant has not been reported in the literature in individuals affected with SLC5A7-related conditions. ClinVar contains an entry for this variant (Variation ID: 565655). Algorithms developed to predict the effect of missense changes on protein structure and function are either unavailable or do not agree on the potential impact of this missense change (SIFT: "Deleterious"; PolyPhen-2: "Possibly Damaging"; Align-GVGD: "Class C0"). In summary, the available evidence is currently insufficient to determine the role of this variant in disease. Therefore, it has been classified as a Variant of Uncertain Significance. This sequence change replaces phenylalanine, which is neutral and non-polar, with cysteine, which is neutral and slightly polar, at codon 140 of the SLC5A7 protein (p.Phe140Cys). This variant is not present in population databases (gnomAD no frequency).

NM_021815.5(SLC5A7):c.419T>G (p.Phe140Cys)

Gene: SLC5A7 (solute carrier family 5 member 7; plus strand). Cytogenetic location: 2q12.3.
Variant type: single nucleotide variant.
Coding change: c.419T>G on transcript NM_021815.5 (MANE Select); coding-DNA position 419, T replaced by G.
Protein change: p.Phe140Cys; replaces phenylalanine 140 with cysteine.
Molecular consequence: missense variant. On other transcripts: 5 prime UTR variant (1).
Genome position (GRCh38, 1-based): chr2:107,993,098, T>G. VCF-style: chr2-107993098-T-G. GRCh37 (hg19) VCF-style: chr2-108609554-T-G.
Other names: c.419T>G, p.Phe140Cys (NM_001305005.3); c.104T>G, p.Phe35Cys (NM_001305006.3); c.-286T>G (NM_001305007.3); short protein forms F140C, F35C.
Identifiers: ClinVar variation 565655 (VCV000565655.6), dbSNP rs1558860651, ClinGen allele CA348020941.
Genomic context (GRCh38, chr2:107,993,098, plus strand): 5'-AAATCTATGGAAAACGCATGGGCGGACTCCTGTTTATTCCTGCACTGATGGGAGAAATGT[T>G]CTGGGCTGCAGCAATTTTCTCTGCTTTGGGTAAGGACCAGCTAAGTTGTCTAGCTGCATC-3'
Protein context (NP_068587.1, residues 130-150): LFIPALMGEM[Phe140Cys]WAAAIFSALG